The following is an entry in ClinVar:

ClinVar aggregate classification (germline): Uncertain significance (1 of 4 stars; one submission).

Submission:

Labcorp Genetics (formerly Invitae), Labcorp
Classification: Uncertain significance. Last evaluated: 2022-07-03. Review status: criteria provided, single submitter. Criteria: Invitae Variant Classification Sherloc (09022015). Collection method: clinical testing. Allele origin: germline.
Comment: In summary, the available evidence is currently insufficient to determine the role of this variant in disease. Therefore, it has been classified as a Variant of Uncertain Significance. Algorithms developed to predict the effect of missense changes on protein structure and function are either unavailable or do not agree on the potential impact of this missense change (SIFT: "Deleterious"; PolyPhen-2: "Benign"; Align-GVGD: "Class C0"). This variant has not been reported in the literature in individuals affected with TUBGCP6-related conditions. This variant is not present in population databases (gnomAD no frequency). This sequence change replaces alanine, which is neutral and non-polar, with aspartic acid, which is acidic and polar, at codon 1181 of the TUBGCP6 protein (p.Ala1181Asp).

NM_020461.4(TUBGCP6):c.3542C>A (p.Ala1181Asp)

Gene: TUBGCP6 (tubulin gamma complex component 6; minus strand). Cytogenetic location: 22q13.33.
Variant type: single nucleotide variant.
Coding change: c.3542C>A on transcript NM_020461.4 (MANE Select); coding-DNA position 3542, C replaced by A.
Protein change: p.Ala1181Asp; replaces alanine 1181 with aspartic acid.
Molecular consequence: missense variant.
Genome position (GRCh38, 1-based): chr22:50,220,817, G>T on the plus strand (C>A on the coding strand, the complement: TUBGCP6 is on the minus strand). VCF-style: chr22-50220817-G-T. GRCh37 (hg19) VCF-style: chr22-50659246-G-T.
Other names: short protein forms A1181D.
Identifiers: ClinVar variation 2013437 (VCV002013437.4), dbSNP rs2064507367, ClinGen allele CA412181860.
Genomic context (GRCh38, chr22:50,220,817, plus strand): 5'-GACTCCCCCAAGCTGATGCTGGCATCAGACACGTGTCCATGGGTGTTCCACCGTGGCCGG[G>T]CGGGAGCCATGTCTGACACAGACTCCCCCAAGCTGATGCTGGCATCGGACACGTGTCCAT-3'
Protein context (NP_065194.3, residues 1171-1191): LGESVSDMAP[Ala1181Asp]RPRWNTHGHV